The following is an entry in ClinVar:

NM_004972.4(JAK2):c.86C>T (p.Ala29Val)

Genes: INSL6 (insulin like 6; minus strand), JAK2 (Janus kinase 2; plus strand). Cytogenetic location: 9p24.1.
Variant type: single nucleotide variant.
Coding change: c.86C>T on transcript NM_004972.4 (MANE Select); coding-DNA position 86, C replaced by T.
Protein change: p.Ala29Val; replaces alanine 29 with valine.
Molecular consequence: missense variant. On other transcripts: 5 prime UTR variant (2), non-coding transcript variant (2).
Genome position (GRCh38, 1-based): chr9:5,022,073, C>T. VCF-style: chr9-5022073-C-T. GRCh37 (hg19) VCF-style: chr9-5022073-C-T.
Other names: c.86C>T, p.Ala29Val (NM_001322194.2, NM_001322195.2, NM_001322196.2); c.-1035C>T (NM_001322198.2, NM_001322199.2); short protein forms A29V.
Identifiers: ClinVar variation 2867937 (VCV002867937.3), dbSNP rs1321992857, ClinGen allele CA372819684.

ClinVar aggregate classification (germline): Uncertain significance (1 of 4 stars; one submission).

gnomAD v4.1: 1 of 1,613,876 alleles (0.000062%); highest among the groups gnomAD compares: Non-Finnish European, 0.000085%; no homozygotes.

Submission:

Labcorp Genetics (formerly Invitae), Labcorp
Classification: Uncertain significance. Last evaluated: 2023-08-16. Review status: criteria provided, single submitter. Criteria: Invitae Variant Classification Sherloc (09022015). Collection method: clinical testing. Allele origin: germline.
Comment: This sequence change replaces alanine, which is neutral and non-polar, with valine, which is neutral and non-polar, at codon 29 of the JAK2 protein (p.Ala29Val). In summary, the available evidence is currently insufficient to determine the role of this variant in disease. Therefore, it has been classified as a Variant of Uncertain Significance. Advanced modeling of protein sequence and biophysical properties (such as structural, functional, and spatial information, amino acid conservation, physicochemical variation, residue mobility, and thermodynamic stability) performed at Invitae indicates that this missense variant is not expected to disrupt JAK2 protein function. This variant has not been reported in the literature in individuals affected with JAK2-related conditions. This variant is not present in population databases (gnomAD no frequency).